The following is an entry in ClinVar:

ClinVar aggregate classification (germline): Conflicting classifications of pathogenicity. Review status: criteria provided, conflicting classifications (1 of 4 stars). 7 submissions from 7 submitters: Pathogenic (2); Likely pathogenic (2); Uncertain significance (1). 2 of the submissions do not count toward it. Last evaluated 2024-06-13.

Conditions:
Tumoral calcinosis, hyperphosphatemic, familial, 2. Identifiers: MedGen C4693863, MONDO:0060714, OMIM 617993.
Autosomal dominant hypophosphatemic rickets (ADHR). Also called: VITAMIN D-RESISTANT RICKETS, AUTOSOMAL DOMINANT; HYPOPHOSPHATEMIA, AUTOSOMAL DOMINANT. Identifiers: Orphanet 89937, MedGen C0342642, MONDO:0008660, OMIM 193100.
Familial hyperphosphatemic tumoral calcinosis/hyperphosphatemic hyperostosis syndrome. Also called: Tumoral calcinosis, hyperphosphatemic, familial. Identifiers: Orphanet 306661, MedGen C1876187, MONDO:0100251.
Tumoral calcinosis, hyperphosphatemic, familial, 1. Also called: CORTICAL HYPEROSTOSIS WITH HYPERPHOSPHATEMIA; LIPOCALCINOGRANULOMATOSIS; MORBUS TEUTSCHLAENDER; CALCINOSIS, TUMORAL, WITH HYPERPHOSPHATEMIA; HYPEROSTOSIS WITH HYPERPHOSPHATEMIA; HYPEROSTOSIS-HYPERPHOSPHATEMIA SYNDROME. Identifiers: Orphanet 53715, MedGen C4692564, MONDO:0100252, OMIM 211900.

Allele frequency attached by ClinVar (database versions not stated): gnomAD 0.00001; ExAC 0.00002; gnomAD exomes 0.00002 and 0.00004; TOPMed 0.00002.
gnomAD v4.1: 63 of 1,610,736 alleles (0.0039%); highest among the groups gnomAD compares: Non-Finnish European, 0.0053%; no homozygotes.

Submissions (7):

Fulgent Genetics
Classification: Likely pathogenic for Autosomal dominant hypophosphatemic rickets; Tumoral calcinosis, hyperphosphatemic, familial, 2. Last evaluated: 2024-06-13. Review status: criteria provided, single submitter. Criteria: ACMG Guidelines, 2015. Collection method: clinical testing. Allele origin: germline.

CeGaT Center for Human Genetics Tuebingen
Classification: Pathogenic. Last evaluated: 2020-01-01. Review status: criteria provided, single submitter. Criteria: CeGaT Center For Human Genetics Tuebingen Variant Classification Criteria Version 2. Collection method: clinical testing. Allele origin: germline. Affected: yes. Observed: 1 variant allele.

Institute of Human Genetics Munich, TUM University Hospital
Classification: Pathogenic for Tumoral calcinosis, hyperphosphatemic, familial, 1. Last evaluated: 2017-09-19. Review status: criteria provided, single submitter. Criteria: Classification criteria August 2017. Collection method: clinical testing. Allele origin: inherited. Inheritance: Autosomal recessive inheritance. Affected: yes. Observed: 1 homozygote.

GeneDx
Classification: Likely pathogenic. Last evaluated: 2016-06-28. Review status: criteria provided, single submitter. Criteria: GeneDx Variant Classification (06012015). Collection method: clinical testing. Allele origin: germline. Affected: yes.
Comment: The S71G variant in the FGF23 gene has been published previously in association with autosomal recessive familial tumoral calcinosis (Benet-PagÃ¨s et al., 2005; Larsson et al. 2005). The variant was not observed at any significant frequency in approximately 6,500 individuals of European and African American ancestry in the NHLBI Exome Sequencing Project, indicating it is not a common benign variant in these populations. The variant is a non-conservative amino acid substitution, which is likely to impact secondary protein structure as these residues differ in polarity, charge, size and/or other properties. This substitution occurs at a position that is conserved across species, and in silico analysis predicts this variant is probably damaging to the protein structure/function. Functional studies have shown that S71G impairs O-glycosylation of the FGF23 protein and results in poor secretion from the Golgi complex (Benet-PagÃ¨s et al., 2005; Bergwitz et al., 2009). Therefore, this variant is likely pathogenic.

Laboratory for Molecular Medicine, Mass General Brigham Personalized Medicine
Classification: Uncertain significance for Tumoral calcinosis, familial, hyperphosphatemic. Last evaluated: 2014-10-16. Review status: criteria provided, single submitter. Criteria: LMM Criteria. Collection method: clinical testing. Allele origin: germline. Observed: 1 variant allele. Study: CSER-MedSeq.
Comment: The p.Ser71Gly variant in FGF23 has been reported in 2 homozygous individuals with hyperphosphatemic tumoral calcinosis and was found to segregate with disease in 1 affected homozygous relative (Benet-Pages 2005, Larsson 2005). This variant has been identified in 0.012% (1/8600) of European American chromosomes by the NHLBI Exome Sequencing Project (dbSNP rs104894342). In vitro functional studies suggest that the p.Ser71Gly variant may impact protein function (Garringer 2008, Bergwitz 2009); however, in vitro assays may not accurately represent biological function. Computational prediction tools and conservation analysis suggest that the p.Ser71Gly variant may impact the protein, though this information is not predictive enough to determine pathogenicity. In summary, while there is some suspicion for a pathogenic role, the clinical significance of the p.Ser71Gly variant is uncertain.

OMIM
Classification: Pathogenic for TUMORAL CALCINOSIS, FAMILIAL, HYPERPHOSPHATEMIC, 2. Last evaluated: 2005-02-01. Review status: no assertion criteria provided. Collection method: literature only. Allele origin: germline. Not counted in ClinVar's aggregate classification.

GeneReviews
No classification provided. Condition: Tumoral calcinosis, hyperphosphatemic, familial, 1. Review status: no classification provided. Collection method: literature only. Allele origin: germline. Not counted in ClinVar's aggregate classification.

Literature cited by the submitters: PubMed 15590700 (cited by 3 submitters); PubMed 15687325 (cited by Laboratory for Molecular Medicine, Mass General Brigham Personalized Medicine); PubMed 18682534 (cited by Laboratory for Molecular Medicine, Mass General Brigham Personalized Medicine); PubMed 19837926 (cited by Laboratory for Molecular Medicine, Mass General Brigham Personalized Medicine); NCBI Bookshelf NBK476672 (cited by GeneReviews); PubMed 29389098 (cited by GeneReviews).

NM_020638.3(FGF23):c.211A>G (p.Ser71Gly)

Gene: FGF23 (fibroblast growth factor 23; minus strand). Cytogenetic location: 12p13.32.
Variant type: single nucleotide variant.
Coding change: c.211A>G on transcript NM_020638.3 (MANE Select); coding-DNA position 211, A replaced by G.
Protein change: p.Ser71Gly; replaces serine 71 with glycine.
Molecular consequence: missense variant.
Genome position (GRCh38, 1-based): chr12:4,379,372, T>C on the plus strand (A>G on the coding strand, the complement: FGF23 is on the minus strand). VCF-style: chr12-4379372-T-C. GRCh37 (hg19) VCF-style: chr12-4488538-T-C.
Other names: short protein forms S71G.
Identifiers: ClinVar variation 5027 (VCV000005027.52), dbSNP rs104894342, ClinGen allele CA117219.
Genomic context (GRCh38, chr12:4,379,372, plus strand): 5'-GCCTCCTGTAGATGGACAACAAGGGTGCTCCCCTTCTTCCCAGCCTGAAGCCCTACTCAC[T>C]GTAGATGGTCTGATGGGGTGCGCCATCCACATGGCCATTCTTGTGGATCTGCAGGTGGTA-3'
Protein context (NP_065689.1, residues 61-81): VDGAPHQTIY[Ser71Gly]ALMIRSEDAG